The following is an entry in ClinVar:

NM_032830.3(UTP4):c.1693C>T (p.Arg565Trp)

Gene: UTP4 (UTP4 small subunit processome component). Cytogenetic location: 16q22.1.
Variant type: single nucleotide variant.
Coding change: c.1693C>T on transcript NM_032830.3 (MANE Select); coding-DNA position 1693, C replaced by T.
Protein change: p.Arg565Trp; replaces arginine 565 with tryptophan.
Molecular consequence: missense variant.
Genome position (GRCh38, 1-based): chr16:69,165,386, C>T. VCF-style: chr16-69165386-C-T. GRCh37 (hg19) VCF-style: chr16-69199289-C-T.
Other names: c.1444C>T, p.Arg482Trp (NM_001318391.2); c.1693C>T (NM_032830.2); short protein forms R565W, R482W.
Identifiers: ClinVar variation 3194 (VCV000003194.14), dbSNP rs119465999, ClinGen allele CA116052.

ClinVar aggregate classification (germline): Conflicting classifications of pathogenicity. Review status: criteria provided, conflicting classifications (1 of 4 stars). 4 submissions from 4 submitters: Uncertain significance (2); Benign (1). 1 of the submissions does not count toward it. Last evaluated 2026-06-29.

Conditions:
UTP4-related disorder. Also called: UTP4-related condition.
Hereditary North American Indian childhood cirrhosis. Identifiers: Orphanet 168583, MedGen C1858051, MONDO:0011497, OMIM 604901.

Allele frequency attached by ClinVar (database versions not stated): ESP Exome Variant Server 0.00023; gnomAD 0.00150 and 0.00156; 1000 Genomes Project 0.00180; 1000 Genomes Project 30x 0.00203; TOPMed 0.00206.
gnomAD v4.1: 1,578 of 1,614,032 alleles (0.098%); highest among the groups gnomAD compares: Admixed American, 1.5%; 11 homozygotes.

Submissions (4):

PreventionGenetics, part of Exact Sciences
Classification: Uncertain significance for UTP4-related condition. Last evaluated: 2026-06-29. Review status: criteria provided, single submitter. Criteria: ACMG Guidelines, 2015. Collection method: clinical testing. Allele origin: germline.
Comment: The UTP4 c.1693C>T variant is predicted to result in the amino acid substitution p.Arg565Trp. This variant has been reported in the homozygous state in at least 34 individuals affected with progressive cholestasis of northwestern Quebec (Chagnon et al. 2002. PubMed ID: 12417987; Khendek et al. 2022. PubMed ID: 36133898). At PreventionGenetics, this variant has been noted in the homozygous state in eight individuals with progressive cholestasis who were all reported to be of Latino descent., However, this variant is also reported in 1.8% of alleles in individuals of Latino descent in gnomAD, including 7 homozygous individuals and this variant has conflicting classifications in ClinVar ranging from benign to uncertain (Variation ID: 3194). In vitro experimental studies on this variant have been inconclusive (Yu et al. 2005. PubMed ID: 16225863; Yu et al. 2009. PubMed ID: 19732766; Freed et al. 2012. PubMed ID: 22916032). At this time, the clinical significance of this variant is uncertain due to the absence of conclusive functional and genetic evidence.

Labcorp Genetics (formerly Invitae), Labcorp
Classification: Uncertain significance. Last evaluated: 2026-01-18. Review status: criteria provided, single submitter. Criteria: Invitae Variant Classification Sherloc (09022015). Collection method: clinical testing. Allele origin: germline.
Comment: This sequence change replaces arginine, which is basic and polar, with tryptophan, which is neutral and slightly polar, at codon 565 of the UTP4 protein (p.Arg565Trp). This variant is present in population databases (rs119465999, gnomAD 1.7%), and has an allele count higher than expected for a pathogenic variant. This missense change has been observed in individual(s) with North American Indian childhood cirrhosis (PMID: 12417987). ClinVar contains an entry for this variant (Variation ID: 3194). Invitae Evidence Modeling of protein sequence and biophysical properties (such as structural, functional, and spatial information, amino acid conservation, physicochemical variation, residue mobility, and thermodynamic stability) indicates that this missense variant is expected to disrupt UTP4 protein function with a positive predictive value of 80%. Experimental studies are conflicting or provide insufficient evidence to determine the effect of this variant on UTP4 function (PMID: 16225863, 19732766, 20385600, 22916032). In summary, the available evidence is currently insufficient to determine the role of this variant in disease. Therefore, it has been classified as a Variant of Uncertain Significance.

Broad Center for Mendelian Genomics, Broad Institute of MIT and Harvard
Classification: Benign for North American Indian childhood cirrhosis. Review status: criteria provided, single submitter. Criteria: ACMG Guidelines, 2015. Collection method: research. Allele origin: germline. Inheritance: Autosomal recessive inheritance. Affected: yes.
Comment: In vitro functional studies provide some evidence that the p.Arg565Trp variant may not impact protein function (PMID: 16225863). However, these types of assays may not accurately represent biological function. In summary, this variant meets criteria to be classified as benign for autosomal recessive North American Indian childhood cirrhosis.

OMIM
Classification: Uncertain significance for RECLASSIFIED - VARIANT OF UNKNOWN SIGNIFICANCE. Last evaluated: 2015-03-05. Review status: no assertion criteria provided. Collection method: literature only. Allele origin: germline. Not counted in ClinVar's aggregate classification.

Literature cited by the submitters: PubMed 12417987 (cited by 3 submitters); PubMed 16225863 (cited by Labcorp Genetics (formerly Invitae), Labcorp); PubMed 19732766 (cited by Labcorp Genetics (formerly Invitae), Labcorp); PubMed 20385600 (cited by Labcorp Genetics (formerly Invitae), Labcorp); PubMed 22916032 (cited by Labcorp Genetics (formerly Invitae), Labcorp and OMIM); PubMed 24123366 (cited by Broad Center for Mendelian Genomics, Broad Institute of MIT and Harvard); PubMed 27535533 (cited by OMIM).